The following is an entry in ClinVar:

NM_000368.5(TSC1):c.600C>A (p.Val200=)

Gene: TSC1 (TSC complex subunit 1; minus strand). Cytogenetic location: 9q34.13.
Variant type: single nucleotide variant.
Coding change: c.600C>A on transcript NM_000368.5 (MANE Select); coding-DNA position 600, C replaced by A.
Protein change: p.Val200=; no amino-acid change (valine 200 retained).
Molecular consequence: synonymous variant. On other transcripts: 5 prime UTR variant (5), non-coding transcript variant (5).
Genome position (GRCh38, 1-based): chr9:132,921,882, G>T on the plus strand (C>A on the coding strand, the complement: TSC1 is on the minus strand). VCF-style: chr9-132921882-G-T. GRCh37 (hg19) VCF-style: chr9-135797269-G-T.
Other names: c.600C>A, p.Val200= (NM_001406608.1, NM_001406609.1, NM_001406598.1 and 16 more transcripts); c.447C>A, p.Val149= (NM_001406610.1, NM_001406611.1, NM_001406612.1 and 2 more transcripts); c.237C>A, p.Val79= (NM_001406614.1, NM_001406615.1, NM_001406616.1 and 10 more transcripts); c.-278C>A (NM_001406626.1, NM_001406627.1, NM_001406628.1); c.-420C>A (NM_001406629.1); c.-494C>A (NM_001406630.1).
Identifiers: ClinVar variation 3074914 (VCV003074914.2), dbSNP rs2132154133, ClinGen allele CA467593796.

ClinVar aggregate classification (germline): Likely benign. Review status: criteria provided, multiple submitters, no conflicts (2 of 4 stars). 2 submissions from 2 submitters: Likely benign (2). Last evaluated 2025-03-01.

Conditions:
Tuberous sclerosis syndrome (TSC). Also called: Tuberous Sclerosis Complex; Tuberous sclerosis. Identifiers: Orphanet 805, MedGen C0041341, MONDO:0001734.
Hereditary cancer-predisposing syndrome. Also called: Hereditary neoplastic syndrome; Neoplastic Syndromes, Hereditary; Tumor predisposition; Hereditary Cancer Syndrome. Identifiers: Orphanet 140162, MedGen C0027672, MeSH D009386, MONDO:0015356.

Submissions (2):

Ambry Genetics
Classification: Likely benign for Hereditary cancer-predisposing syndrome. Last evaluated: 2025-03-01. Review status: criteria provided, single submitter. Criteria: Ambry Variant Classification Scheme 2023. Collection method: clinical testing. Allele origin: germline.

All of Us Research Program, National Institutes of Health
Classification: Likely benign for Tuberous sclerosis syndrome. Last evaluated: 2023-12-13. Review status: criteria provided, single submitter. Criteria: ACMG Guidelines, 2015. Collection method: clinical testing. Allele origin: germline. Inheritance: Autosomal dominant inheritance. Observed: 1 variant allele, 1 heterozygote.
Comment: This study involves interpretation of variants in research participants for the purpose of population health screening. Participant phenotype was not available at the time of variant classification. Additional details can be found in publication PMID: 35346344, PMCID: PMC8962531